The following is an entry in ClinVar:

ClinVar aggregate classification (germline): Uncertain significance. Review status: criteria provided, multiple submitters, no conflicts (2 of 4 stars). 3 submissions from 3 submitters: Uncertain significance (3). Last evaluated 2025-11-10.

Conditions:
Nephronophthisis. Also called: Juvenile Nephronophthisis. Identifiers: Orphanet 655, MedGen C0687120, MONDO:0019005, HP:0000090.
Inborn genetic diseases. Identifiers: MedGen C0950123, MeSH D030342.
Senior-Loken syndrome 5 (SLSN5). Identifiers: Orphanet 3156, MedGen C1836517, MONDO:0012225, OMIM 609254.

Allele frequency attached by ClinVar (database versions not stated): gnomAD exomes below 0.00001 and 0.00001; ExAC 0.00002; TOPMed 0.00002.
gnomAD v4.1: 17 of 1,613,922 alleles (0.0011%); highest among the groups gnomAD compares: Non-Finnish European, 0.0014%; no homozygotes.

Submissions (3):

Labcorp Genetics (formerly Invitae), Labcorp
Classification: Uncertain significance for Nephronophthisis. Last evaluated: 2025-11-10. Review status: criteria provided, single submitter. Criteria: Invitae Variant Classification Sherloc (09022015). Collection method: clinical testing. Allele origin: germline.
Comment: This sequence change replaces leucine, which is neutral and non-polar, with proline, which is neutral and non-polar, at codon 440 of the IQCB1 protein (p.Leu440Pro). This variant is present in population databases (rs749515337, gnomAD 0.0009%). This variant has not been reported in the literature in individuals affected with IQCB1-related conditions. ClinVar contains an entry for this variant (Variation ID: 1046568). Invitae Evidence Modeling of protein sequence and biophysical properties (such as structural, functional, and spatial information, amino acid conservation, physicochemical variation, residue mobility, and thermodynamic stability) indicates that this missense variant is not expected to disrupt IQCB1 protein function with a negative predictive value of 80%. In summary, the available evidence is currently insufficient to determine the role of this variant in disease. Therefore, it has been classified as a Variant of Uncertain Significance.

Ambry Genetics
Classification: Uncertain significance for Inborn genetic diseases. Last evaluated: 2025-03-01. Review status: criteria provided, single submitter. Criteria: Ambry Variant Classification Scheme 2023. Collection method: clinical testing. Allele origin: germline.

Fulgent Genetics
Classification: Uncertain significance for Senior-Loken syndrome 5. Last evaluated: 2022-01-18. Review status: criteria provided, single submitter. Criteria: ACMG Guidelines, 2015. Collection method: clinical testing. Allele origin: unknown.

NM_001023570.4(IQCB1):c.1319T>C (p.Leu440Pro)

Gene: IQCB1 (IQ motif containing B1; minus strand). Cytogenetic location: 3q13.33.
Variant type: single nucleotide variant.
Coding change: c.1319T>C on transcript NM_001023570.4 (MANE Select); coding-DNA position 1319, T replaced by C.
Protein change: p.Leu440Pro; replaces leucine 440 with proline.
Molecular consequence: missense variant. On other transcripts: non-coding transcript variant (1).
Genome position (GRCh38, 1-based): chr3:121,781,834, A>G on the plus strand (T>C on the coding strand, the complement: IQCB1 is on the minus strand). VCF-style: chr3-121781834-A-G. GRCh37 (hg19) VCF-style: chr3-121500681-A-G.
Other names: c.920T>C, p.Leu307Pro (NM_001023571.4); c.1319T>C, p.Leu440Pro (NM_001319107.2); c.1319T>C (NM_001023570.2); short protein forms L307P, L440P.
Identifiers: ClinVar variation 1046568 (VCV001046568.9), dbSNP rs749515337, ClinGen allele CA2567126.